The following is an entry in ClinVar:

ClinVar aggregate classification (germline): Uncertain significance (1 of 4 stars; one submission).

Submission:

Women's Health and Genetics/Laboratory Corporation of America, LabCorp
Classification: Uncertain significance. Last evaluated: 2022-11-16. Review status: criteria provided, single submitter. Criteria: LabCorp Variant Classification Summary - May 2015. Collection method: clinical testing. Allele origin: germline.
Comment: Variant summary: USH1C c.1557delinsCGCTGAC (p.Glu519delinsAspAlaAsp) results in an in-frame deletion-insertion that is predicted to insert three amino acids to the protein, causing a change in one amino acid, Glu519, in the PDZ domain (IPR001478) of the encoded protein sequence. The variant was absent in 282750 control chromosomes (gnomAD). To our knowledge, no occurrence of c.1557delinsCGCTGAC in individuals affected with Usher Syndrome and no experimental evidence demonstrating its impact on protein function have been reported. No clinical diagnostic laboratories have submitted clinical-significance assessments for this variant to ClinVar after 2014. Based on the evidence outlined above, the variant was classified as uncertain significance.

NM_153676.4(USH1C):c.2457delinsCGCTGAC (p.Glu819delinsAspAlaAsp)

Gene: USH1C (USH1 protein network component harmonin; minus strand). Cytogenetic location: 11p15.1.
Variant type: Indel.
Coding change: c.2457delinsCGCTGAC on transcript NM_153676.4 (MANE Select); coding-DNA position 2457, G replaced by CGCTGAC.
Protein change: p.Glu819delinsAspAlaAsp.
Molecular consequence: inframe indel. On other transcripts: non-coding transcript variant (1).
Genome position (GRCh38, 1-based): chr11:17,498,195, C replaced by GTCAGCG on the plus strand (G replaced by CGCTGAC on the coding strand, the reverse complement: USH1C is on the minus strand). VCF-style: chr11-17498195-C-GTCAGCG. GRCh37 (hg19) VCF-style: chr11-17519742-C-GTCAGCG.
Other names: c.1500delinsCGCTGAC, p.Glu500delinsAspAlaAsp (NM_001297764.2); c.1557delinsCGCTGAC, p.Glu519delinsAspAlaAsp (NM_005709.4).
Identifiers: ClinVar variation 1804776 (VCV001804776.1), dbSNP rs2496983178, ClinGen allele CA2580082883.
Genomic context (GRCh38, chr11:17,498,195, plus strand): 5'-GAAAGGAGGGAGGGGCCTTATTCTTACCCCGCCCTGATTCCAGGCCTTCTGCAGGGCAGC[C>GTCAGCG]TCAGCCTCAGCCAGGGTGTAGTCTGTCACAATCTTGCCGTTGATTGCCATGATCTCGTCC-3'